The following is an entry in ClinVar:

ClinVar aggregate classification (germline): Likely benign. Review status: criteria provided, multiple submitters, no conflicts (2 of 4 stars). 3 submissions from 3 submitters: Likely benign (3). Last evaluated 2023-11-02.

Conditions:
Long QT syndrome (LQTS). Identifiers: MedGen C0023976, MeSH D008133, MONDO:0002442. Disease mechanism: loss of function. Inheritance: Various modes of inheritance.
Cardiac arrhythmia. Also called: Arrhythmia; Cardiac rhythm disease. Identifiers: MedGen C0003811, MONDO:0007263, HP:0011675.

gnomAD v4.1: 4 of 1,611,812 alleles (0.00025%); highest among the groups gnomAD compares: South Asian, 0.0033%; no homozygotes.

Submissions (3):

All of Us Research Program, National Institutes of Health
Classification: Likely benign for Long QT syndrome. Last evaluated: 2023-11-02. Review status: criteria provided, single submitter. Criteria: ACMG Guidelines, 2015. Collection method: clinical testing. Allele origin: germline. Inheritance: Autosomal dominant inheritance. Observed: 1 variant allele, 1 heterozygote.
Comment: This study involves interpretation of variants in research participants for the purpose of population health screening. Participant phenotype was not available at the time of variant classification. Additional details can be found in publication PMID: 35346344, PMCID: PMC8962531

Labcorp Genetics (formerly Invitae), Labcorp
Classification: Likely benign for Long QT syndrome. Last evaluated: 2022-09-23. Review status: criteria provided, single submitter. Criteria: Invitae Variant Classification Sherloc (09022015). Collection method: clinical testing. Allele origin: germline.

Color Diagnostics, LLC DBA Color Health
Classification: Likely benign for Cardiac arrhythmia. Last evaluated: 2021-03-15. Review status: criteria provided, single submitter. Criteria: ACMG Guidelines, 2015. Collection method: clinical testing. Allele origin: germline.

NM_000238.4(KCNH2):c.2157C>T (p.Gly719=)

Gene: KCNH2 (potassium voltage-gated channel subfamily H member 2; minus strand). Cytogenetic location: 7q36.1.
Variant type: single nucleotide variant.
Coding change: c.2157C>T on transcript NM_000238.4 (MANE Select); coding-DNA position 2157, C replaced by T.
Protein change: p.Gly719=; no amino-acid change (glycine 719 retained).
Molecular consequence: synonymous variant. On other transcripts: non-coding transcript variant (2).
Genome position (GRCh38, 1-based): chr7:150,950,409, G>A on the plus strand (C>T on the coding strand, the complement: KCNH2 is on the minus strand). VCF-style: chr7-150950409-G-A. GRCh37 (hg19) VCF-style: chr7-150647497-G-A.
Other names: c.1137C>T, p.Gly379= (NM_001204798.2, NM_172057.3); c.1869C>T, p.Gly623= (NM_001406753.1, NM_001406756.1); c.1980C>T, p.Gly660= (NM_001406755.1); c.1857C>T, p.Gly619= (NM_001406757.1); c.2157C>T, p.Gly719= (NM_172056.3).
Identifiers: ClinVar variation 1332670 (VCV001332670.13), dbSNP rs748506070, ClinGen allele CA031200.